The following is an entry in ClinVar:

NM_001377.3(DYNC2H1):c.4568G>A (p.Arg1523Gln)

Gene: DYNC2H1 (dynein cytoplasmic 2 heavy chain 1; plus strand). Cytogenetic location: 11q22.3.
Variant type: single nucleotide variant.
Coding change: c.4568G>A on transcript NM_001377.3 (MANE Select); coding-DNA position 4568, G replaced by A.
Protein change: p.Arg1523Gln; replaces arginine 1523 with glutamine.
Molecular consequence: missense variant.
Genome position (GRCh38, 1-based): chr11:103,163,104, G>A. VCF-style: chr11-103163104-G-A. GRCh37 (hg19) VCF-style: chr11-103033833-G-A.
Other names: c.4568G>A, p.Arg1523Gln (NM_001080463.2); short protein forms R1523Q.
Identifiers: ClinVar variation 1987717 (VCV001987717.6), dbSNP rs779319572, ClinGen allele CA6253585.

ClinVar aggregate classification (germline): Uncertain significance. Review status: criteria provided, multiple submitters, no conflicts (2 of 4 stars). 3 submissions from 3 submitters: Uncertain significance (3). Last evaluated 2024-05-08.

Conditions:
Inborn genetic diseases. Identifiers: MedGen C0950123, MeSH D030342.
Jeune thoracic dystrophy. Also called: Short-rib thoracic dysplasia; Jeune syndrome; Infantile thoracic dystrophy; Thoracic pelvic phalangeal dystrophy; Jeune's syndrome; Chondroectodermal dysplasia-like syndrome. Identifiers: Orphanet 474, MedGen C0265275, MONDO:0018770.

Allele frequency attached by ClinVar (database versions not stated): ExAC 0.00001; gnomAD 0.00001; gnomAD exomes 0.00001; TOPMed 0.00002.
gnomAD v4.1: 9 of 1,612,974 alleles (0.00056%); highest among the groups gnomAD compares: Admixed American, 0.0017%; no homozygotes.

Submissions (3):

Ambry Genetics
Classification: Uncertain significance for Inborn genetic diseases. Last evaluated: 2024-05-08. Review status: criteria provided, single submitter. Criteria: Ambry Variant Classification Scheme 2023. Collection method: clinical testing. Allele origin: germline.

Labcorp Genetics (formerly Invitae), Labcorp
Classification: Uncertain significance for Jeune thoracic dystrophy. Last evaluated: 2024-02-24. Review status: criteria provided, single submitter. Criteria: Invitae Variant Classification Sherloc (09022015). Collection method: clinical testing. Allele origin: germline.
Comment: This sequence change replaces arginine, which is basic and polar, with glutamine, which is neutral and polar, at codon 1523 of the DYNC2H1 protein (p.Arg1523Gln). This variant is present in population databases (rs779319572, gnomAD 0.004%). This variant has not been reported in the literature in individuals affected with DYNC2H1-related conditions. ClinVar contains an entry for this variant (Variation ID: 1987717). Advanced modeling of protein sequence and biophysical properties (such as structural, functional, and spatial information, amino acid conservation, physicochemical variation, residue mobility, and thermodynamic stability) performed at Invitae indicates that this missense variant is not expected to disrupt DYNC2H1 protein function with a negative predictive value of 95%. In summary, the available evidence is currently insufficient to determine the role of this variant in disease. Therefore, it has been classified as a Variant of Uncertain Significance.

Blueprint Genetics
Classification: Uncertain significance. Last evaluated: 2021-03-08. Review status: criteria provided, single submitter. Criteria: ACMG Guidelines, 2015. Collection method: clinical testing. Allele origin: germline.